The following is an entry in ClinVar:

ClinVar aggregate classification (germline): Conflicting classifications of pathogenicity. Review status: criteria provided, conflicting classifications (1 of 4 stars). 4 submissions from 4 submitters: Uncertain significance (1); Likely benign (3). Last evaluated 2025-07-01.

Conditions:
Cardiovascular phenotype. Identifiers: MedGen CN230736.
ABCG5-related disorder. Also called: ABCG5-related condition.
Sitosterolemia (STSL). Also called: PHYTOSTEROLEMIA. Identifiers: Orphanet 2882, MedGen C0342907, MONDO:0008863.

Allele frequency attached by ClinVar (database versions not stated): ExAC 0.00001; gnomAD 0.00003 and 0.00004; gnomAD exomes 0.00008 and 0.00001; TOPMed 0.00003.
gnomAD v4.1: 122 of 1,613,786 alleles (0.0076%); highest among the groups gnomAD compares: Middle Eastern, 0.016%; 2 homozygotes.

Submissions (4):

Labcorp Genetics (formerly Invitae), Labcorp
Classification: Likely benign for Sitosterolemia. Last evaluated: 2025-07-01. Review status: criteria provided, single submitter. Criteria: Invitae Variant Classification Sherloc (09022015). Collection method: clinical testing. Allele origin: germline.

PreventionGenetics, part of Exact Sciences
Classification: Likely benign for ABCG5-related condition. Last evaluated: 2025-03-13. Review status: criteria provided, single submitter. Criteria: ACMG Guidelines, 2015. Collection method: clinical testing. Allele origin: germline.
Comment: This variant is classified as likely benign based on ACMG/AMP sequence variant interpretation guidelines (Richards et al. 2015 PMID: 25741868, with internal and published modifications).

Ambry Genetics
Classification: Likely benign for Cardiovascular phenotype. Last evaluated: 2019-07-08. Review status: criteria provided, single submitter. Criteria: Ambry Variant Classification Scheme 2023. Collection method: clinical testing. Allele origin: germline.

Eurofins Ntd Llc (ga)
Classification: Uncertain significance. Last evaluated: 2018-04-03. Review status: criteria provided, single submitter. Criteria: EGL ClinVar v180209 classification definitions. Collection method: clinical testing. Allele origin: germline. Observed: 1 variant allele, 1 heterozygote.

NM_022436.3(ABCG5):c.915G>A (p.Thr305=)

Genes: ABCG5 (ATP binding cassette subfamily G member 5; minus strand), DYNC2LI1 (dynein cytoplasmic 2 light intermediate chain 1; plus strand). Cytogenetic location: 2p21.
Variant type: single nucleotide variant.
Coding change: c.915G>A on transcript NM_022436.3 (MANE Select); coding-DNA position 915, G replaced by A.
Protein change: p.Thr305=; no amino-acid change (threonine 305 retained).
Molecular consequence: synonymous variant. On other transcripts: intron variant (2).
Genome position (GRCh38, 1-based): chr2:43,824,422, C>T on the plus strand (G>A on the coding strand, the complement: ABCG5 is on the minus strand). VCF-style: chr2-43824422-C-T. GRCh37 (hg19) VCF-style: chr2-44051561-C-T.
Other names: c.*16-2964C>T (NM_001348913.2, NM_001348912.2).
Identifiers: ClinVar variation 596766 (VCV000596766.18), dbSNP rs773296588, ClinGen allele CA1636442.